The following is an entry in ClinVar:

ClinVar aggregate classification (germline): Uncertain significance. Review status: criteria provided, multiple submitters, no conflicts (2 of 4 stars). 2 submissions from 2 submitters: Uncertain significance (2). Last evaluated 2025-12-30.

Conditions:
SLC10A1-related disorder. Also called: SLC10A1-related condition.

gnomAD v4.1: 1 of 1,603,560 alleles (0.000062%); no homozygotes.

Submissions (2):

PreventionGenetics, part of Exact Sciences
Classification: Uncertain significance for SLC10A1-related condition. Last evaluated: 2025-12-30. Review status: criteria provided, single submitter. Criteria: ACMG Guidelines, 2015. Collection method: clinical testing. Allele origin: germline.
Comment: The SLC10A1 c.569G>C variant is predicted to result in the amino acid substitution p.Gly190Ala. To our knowledge, this variant has not been reported in the literature or in a large population database (gnomAD), indicating this variant is rare. At this time, the clinical significance of this variant is uncertain due to the absence of conclusive functional and genetic evidence.

Mayo Clinic Laboratories, Mayo Clinic
Classification: Uncertain significance. Last evaluated: 2025-11-07. Review status: criteria provided, single submitter. Criteria: ACMG Guidelines, 2015. Collection method: clinical testing. Allele origin: germline. Observed: 1 variant allele.
Comment: BP4_moderate, PM2_supporting

NM_003049.4(SLC10A1):c.569G>C (p.Gly190Ala)

Gene: SLC10A1 (solute carrier family 10 member 1; minus strand). Cytogenetic location: 14q24.1.
Variant type: single nucleotide variant.
Coding change: c.569G>C on transcript NM_003049.4 (MANE Select); coding-DNA position 569, G replaced by C.
Protein change: p.Gly190Ala; replaces glycine 190 with alanine.
Molecular consequence: missense variant.
Genome position (GRCh38, 1-based): chr14:69,779,359, C>G on the plus strand (G>C on the coding strand, the complement: SLC10A1 is on the minus strand). VCF-style: chr14-69779359-C-G. GRCh37 (hg19) VCF-style: chr14-70246076-C-G.
Other names: p.Gly190Ala; c.569G>C (NM_003049.3); short protein forms G190A.
Identifiers: ClinVar variation 4541880 (VCV004541880.2).